The following is an entry in ClinVar:

NM_001005361.3(DNM2):c.1903G>A (p.Glu635Lys)

Gene: DNM2 (dynamin 2; plus strand). Cytogenetic location: 19p13.2.
Variant type: single nucleotide variant.
Coding change: c.1903G>A on transcript NM_001005361.3 (MANE Select); coding-DNA position 1903, G replaced by A.
Protein change: p.Glu635Lys; replaces glutamic acid 635 with lysine.
Molecular consequence: missense variant.
Genome position (GRCh38, 1-based): chr19:10,825,066, G>A. VCF-style: chr19-10825066-G-A. GRCh37 (hg19) VCF-style: chr19-10935742-G-A.
Other names: c.1903G>A, p.Glu635Lys (NM_001005360.3, NM_001190716.2); c.1891G>A, p.Glu631Lys (NM_001005362.3, NM_004945.4); short protein forms E635K, E631K.
Identifiers: ClinVar variation 452408 (VCV000452408.16), dbSNP rs761198315, ClinGen allele CA9201447.
Genomic context (GRCh38, chr19:10,825,066, plus strand): 5'-GACTTGGCCCAGGCCACAGTCACCCCTCAGCACCTCCCCTCCCGCTTGCAGGCAGAAAAC[G>A]AGGATGGGGCCCAGGAGAACACCTTCTCCATGGACCCCCAACTGGAGCGGCAGGTGGAGA-3'
Protein context (NP_001005361.1, residues 625-645): VYPEKDQAEN[Glu635Lys]DGAQENTFSM

ClinVar aggregate classification (germline): Uncertain significance. Review status: criteria provided, multiple submitters, no conflicts (2 of 4 stars). 5 submissions from 5 submitters: Uncertain significance (5). Last evaluated 2024-09-24.

Conditions:
Hereditary neuropathy or pain disorder.
Charcot-Marie-Tooth disease dominant intermediate B (CMTDIB). Also called: CHARCOT-MARIE-TOOTH NEUROPATHY, DOMINANT INTERMEDIATE B; Charcot-Marie-Tooth disease dominant intermediate 1; CMT DI1; Charcot-Marie-Tooth disease dominant intermediate I. Identifiers: Orphanet 100044, Orphanet 228179, MedGen C1847902, MONDO:0011674, OMIM 606482.

Allele frequency attached by ClinVar (database versions not stated): gnomAD exomes below 0.00001 and 0.00001; ExAC 0.00001; TOPMed 0.00001.
gnomAD v4.1: 9 of 1,614,104 alleles (0.00056%); highest among the groups gnomAD compares: Admixed American, 0.0017%; no homozygotes.

Submissions (5):

Labcorp Genetics (formerly Invitae), Labcorp
Classification: Uncertain significance for Charcot-Marie-Tooth disease dominant intermediate B. Last evaluated: 2024-09-24. Review status: criteria provided, single submitter. Criteria: Invitae Variant Classification Sherloc (09022015). Collection method: clinical testing. Allele origin: germline.
Comment: This sequence change replaces glutamic acid, which is acidic and polar, with lysine, which is basic and polar, at codon 635 of the DNM2 protein (p.Glu635Lys). This variant is present in population databases (rs761198315, gnomAD 0.003%). This variant has not been reported in the literature in individuals affected with DNM2-related conditions. ClinVar contains an entry for this variant (Variation ID: 452408). Invitae Evidence Modeling of protein sequence and biophysical properties (such as structural, functional, and spatial information, amino acid conservation, physicochemical variation, residue mobility, and thermodynamic stability) has been performed for this missense variant. However, the output from this modeling did not meet the statistical confidence thresholds required to predict the impact of this variant on DNM2 protein function. In summary, the available evidence is currently insufficient to determine the role of this variant in disease. Therefore, it has been classified as a Variant of Uncertain Significance.

Cambridge Genomics Laboratory, East Genomic Laboratory Hub, NHS Genomic Medicine Service
Classification: Uncertain significance for Hereditary neuropathy or pain disorder. Last evaluated: 2023-11-09. Review status: criteria provided, single submitter. Criteria: ACGS Best Practice Guidelines for Variant Classification in Rare Disease 2020. Collection method: clinical testing. Allele origin: germline. Affected: yes.
Comment: The p.Glu635Lys variant is observed in 1/34.592 (0.0029%) alleles from individuals of gnomAD Latino background in gnomAD All. The p.Glu635Lys variant is novel (not in any individuals) in 1kG All. The p.Glu635Lys variant is novel (not in any individuals) in gnomAD Genomes v3 All. (PM2 - Moderate) | The gene DNM2 has a low rate of benign missense variation as indicated by a high missense variants Z-Score of 3.45. The gene DNM2 contains 28 pathogenic missense variants, indicating that missense variants are a common mechanism of disease in this gene. (PP2 - Supporting) | The p.Glu635Lys missense variant is predicted to be damaging by both SIFT and PolyPhen2. The glutamic acid residue at codon 635 of DNM2 is conserved in all mammalian species. The nucleotide c.1903 in DNM2 is predicted conserved by GERP++ and PhyloP across 100 vertebrates. (PP3 - Supporting)

Blueprint Genetics
Classification: Uncertain significance. Last evaluated: 2022-07-06. Review status: criteria provided, single submitter. Criteria: ACMG Guidelines, 2015. Collection method: clinical testing. Allele origin: germline.

Revvity Omics, Revvity
Classification: Uncertain significance. Last evaluated: 2020-05-20. Review status: criteria provided, single submitter. Criteria: ACMG Guidelines, 2015. Collection method: clinical testing. Allele origin: germline.

GeneDx
Classification: Uncertain significance. Last evaluated: 2018-09-26. Review status: criteria provided, single submitter. Criteria: GeneDx Variant Classification (06012015). Collection method: clinical testing. Allele origin: germline. Affected: yes.
Comment: The E635K variant has not been published as a pathogenic variant, nor has it been reported as a benign variant to our knowledge. The E635K variant is not observed at a significant frequency in large population cohorts (Lek et al., 2016). This variant is a non-conservative amino acid substitution, which is likely to impact secondary protein structure as these residues differ in polarity, charge, size and/or other properties. This substitution occurs at a position that is conserved across species, and in silico analysis predicts this variant is probably damaging to the protein structure/function. However, missense variants in nearby residues have not been reported in the Human Gene Mutation Database in association with DNM2-related disorders (Stenson et al., 2014).